The following is an entry in ClinVar:

NM_001386298.1(CIC):c.2052A>C (p.Pro684=)

Gene: CIC (capicua transcriptional repressor; plus strand). Cytogenetic location: 19q13.2.
Variant type: single nucleotide variant.
Coding change: c.2052A>C on transcript NM_001386298.1 (MANE Select); coding-DNA position 2052, A replaced by C.
Protein change: p.Pro684=; no amino-acid change (proline 684 retained).
Molecular consequence: synonymous variant.
Genome position (GRCh38, 1-based): chr19:42,273,835, A>C. VCF-style: chr19-42273835-A-C. GRCh37 (hg19) VCF-style: chr19-42777987-A-C.
Other names: c.2052A>C, p.Pro684= (NM_001304815.2, NM_001379480.1, NM_001379482.1 and 1 more transcripts).
Identifiers: ClinVar variation 3067335 (VCV003067335.21), dbSNP rs2513609270, ClinGen allele CA507702533.
Genomic context (GRCh38, chr19:42,273,835, plus strand): 5'-CGCCAGCACCCCTAAGGCAGGCGTGCTGACGCCACCAGACCTGGGCCCCCACCCACCGCC[A>C]CCTGCCCCCCGAGAGCGCCACTCCTCTGGAATCCTACCCACCTTCCAGACCAACCTGACC-3'
Protein context (NP_001373227.1, residues 674-694): TPPDLGPHPP[Pro684=]PAPRERHSSG

ClinVar aggregate classification (germline): Likely benign (1 of 4 stars; one submission).

Submission:

CeGaT Center for Human Genetics Tuebingen
Classification: Likely benign. Last evaluated: 2024-03-01. Review status: criteria provided, single submitter. Criteria: CeGaT Center For Human Genetics Tuebingen Variant Classification Criteria Version 2. Collection method: clinical testing. Allele origin: germline. Affected: yes. Observed: 1 variant allele.
Comment: CIC: PM2:Supporting, BP4, BP7